The following is an entry in ClinVar:

NM_001375808.2(LPIN2):c.475A>T (p.Arg159Ter)

Gene: LPIN2 (lipin 2; minus strand). Cytogenetic location: 18p11.31.
Variant type: single nucleotide variant.
Coding change: c.475A>T on transcript NM_001375808.2 (MANE Select); coding-DNA position 475, A replaced by T.
Protein change: p.Arg159Ter; replaces arginine 159 with a stop codon.
Molecular consequence: nonsense.
Genome position (GRCh38, 1-based): chr18:2,951,170, T>A on the plus strand (A>T on the coding strand, the complement: LPIN2 is on the minus strand). VCF-style: chr18-2951170-T-A. GRCh37 (hg19) VCF-style: chr18-2951168-T-A.
Other names: c.475A>T, p.Arg159Ter (NM_001375809.1, NM_014646.2); short protein forms R159*.
Identifiers: ClinVar variation 2745437 (VCV002745437.3), dbSNP rs2510282875, ClinGen allele CA401708993.
Genomic context (GRCh38, chr18:2,951,170, plus strand): 5'-CTTCTGCAGCAGCAGATGCGGCCTGCTCTTCCTTCTTACTGTCCTGTTTGTATTTCTTTC[T>A]CCTTCGTTTTTTCTTTTTCACAGAACTTGGAGTAAAAATTGTCTCTGTTTCCAAGACGTG-3'

ClinVar aggregate classification (germline): Pathogenic (1 of 4 stars; one submission).

Conditions:
Majeed syndrome (MJDS). Also called: LPIN2-Related Majeed Syndrome; CHRONIC RECURRENT MULTIFOCAL OSTEOMYELITIS 1, WITH CONGENITAL DYSERYTHROPOIETIC ANEMIA, WITH OR WITHOUT NEUTROPHILIC DERMATOSIS. Identifiers: Orphanet 77297, MedGen C1864997, MONDO:0012316, OMIM 609628.

Submission:

Labcorp Genetics (formerly Invitae), Labcorp
Classification: Pathogenic for Majeed syndrome. Last evaluated: 2023-05-28. Review status: criteria provided, single submitter. Criteria: Invitae Variant Classification Sherloc (09022015). Collection method: clinical testing. Allele origin: germline.
Comment: This sequence change creates a premature translational stop signal (p.Arg159*) in the LPIN2 gene. It is expected to result in an absent or disrupted protein product. Loss-of-function variants in LPIN2 are known to be pathogenic (PMID: 15994876, 23087183). This variant is not present in population databases (gnomAD no frequency). This variant has not been reported in the literature in individuals affected with LPIN2-related conditions. For these reasons, this variant has been classified as Pathogenic.

Literature cited by the submitters: PubMed 15994876; PubMed 23087183.